The following is an entry in ClinVar:

NM_139343.3(BIN1):c.1060A>G (p.Lys354Glu)

Gene: BIN1 (bridging integrator 1; minus strand). Cytogenetic location: 2q14.3.
Variant type: single nucleotide variant.
Coding change: c.1060A>G on transcript NM_139343.3 (MANE Select); coding-DNA position 1060, A replaced by G.
Protein change: p.Lys354Glu; replaces lysine 354 with glutamic acid.
Molecular consequence: missense variant. On other transcripts: intron variant (9).
Genome position (GRCh38, 1-based): chr2:127,057,544, T>C on the plus strand (A>G on the coding strand, the complement: BIN1 is on the minus strand). VCF-style: chr2-127057544-T-C. GRCh37 (hg19) VCF-style: chr2-127815120-T-C.
Other names: c.1060A>G, p.Lys354Glu (NM_001320640.2); c.967A>G, p.Lys323Glu (NM_001320641.2, NM_139347.3, NM_139348.3); c.979A>G, p.Lys327Glu (NM_001320642.1); c.1012A>G, p.Lys338Glu (NM_139346.3); c.837+1467A>G (NM_001320634.1); c.909+1467A>G (NM_139351.3, NM_139350.3, NM_139349.3); c.954+1467A>G (NM_001320632.2, NM_004305.4); c.1002+1467A>G (NM_001320633.2, NM_139345.3, NM_139344.3); short protein forms K354E, K323E, K327E, K338E.
Identifiers: ClinVar variation 286549 (VCV000286549.15), dbSNP rs886043420, ClinGen allele CA10605499.

ClinVar aggregate classification (germline): Uncertain significance. Review status: criteria provided, multiple submitters, no conflicts (2 of 4 stars). 2 submissions from 2 submitters: Uncertain significance (2). Last evaluated 2023-12-07.

Conditions:
Myopathy, centronuclear, 2 (CNM2). Also called: MYOTUBULAR MYOPATHY, AUTOSOMAL RECESSIVE. Identifiers: Orphanet 169186, MedGen CN031787, MONDO:0009709, OMIM 255200.

Allele frequency attached by ClinVar (database versions not stated): gnomAD exomes 0.00001; TOPMed below 0.00001.
gnomAD v4.1: 16 of 1,544,622 alleles (0.001%); highest among the groups gnomAD compares: Non-Finnish European, 0.0014%; no homozygotes.

Submissions (2):

Labcorp Genetics (formerly Invitae), Labcorp
Classification: Uncertain significance for Myopathy, centronuclear, 2. Last evaluated: 2023-12-07. Review status: criteria provided, single submitter. Criteria: Invitae Variant Classification Sherloc (09022015). Collection method: clinical testing. Allele origin: germline.
Comment: This sequence change replaces lysine, which is basic and polar, with glutamic acid, which is acidic and polar, at codon 354 of the BIN1 protein (p.Lys354Glu). This variant is not present in population databases (gnomAD no frequency). This variant has not been reported in the literature in individuals affected with BIN1-related conditions. ClinVar contains an entry for this variant (Variation ID: 286549). An algorithm developed to predict the effect of missense changes on protein structure and function (PolyPhen-2) suggests that this variant is likely to be disruptive. In summary, the available evidence is currently insufficient to determine the role of this variant in disease. Therefore, it has been classified as a Variant of Uncertain Significance.

Eurofins Ntd Llc (ga)
Classification: Uncertain significance. Last evaluated: 2016-03-04. Review status: criteria provided, single submitter. Criteria: EGL Classification Definitions 2015. Collection method: clinical testing. Allele origin: germline. Observed: 1 variant allele, 1 heterozygote.